The following is an entry in ClinVar:

NM_000321.3(RB1):c.1653_1657delinsG (p.Arg552fs)

Gene: RB1 (RB transcriptional corepressor 1; plus strand). Cytogenetic location: 13q14.2.
Variant type: Indel.
Coding change: c.1653_1657delinsG on transcript NM_000321.3 (MANE Select); coding-DNA positions 1653 to 1657, ACGAT replaced by G.
Protein change: p.Arg552fs; shifts the reading frame from arginine 552.
Molecular consequence: frameshift variant.
Genome position (GRCh38, 1-based): chr13:48,381,401-48,381,405, ACGAT replaced by G. VCF-style: chr13-48381401-ACGAT-G. GRCh37 (hg19) VCF-style: chr13-48955537-ACGAT-G.
Other names: c.1653_1657delinsG, p.Arg552fs (NM_001407165.1, NM_001407166.1); short protein forms R552fs.
Identifiers: ClinVar variation 3237015 (VCV003237015.1), dbSNP rs2542207009.
Genomic context (GRCh38, chr13:48,381,401, plus strand): 5'-GATCGAAAGTTTTATCAAAGCAGAAGGCAACTTGACAAGAGAAATGATAAAACATTTAGA[ACGAT>G]GTGAACATCGAATCATGGAATCCCTTGCATGGCTCTCAGTAAGTAGCTAAATAATTGAAG-3'

ClinVar aggregate classification (germline): Pathogenic (1 of 4 stars; one submission).

Conditions:
Retinoblastoma (RB1). Also called: RETINOBLASTOMA, SOMATIC. Identifiers: Orphanet 790, MedGen C0035335, MeSH D012175, MONDO:0008380, OMIM 180200, HP:0009919. Disease mechanism: loss of function. Inheritance: Both sporadic and heritable forms are tested..

Submission:

Genetic Diagnostic Laboratory, University of Pennsylvania School of Medicine
Classification: Pathogenic for Retinoblastoma. Last evaluated: 2024-05-20. Review status: criteria provided, single submitter. Criteria: ACMG Guidelines, 2015. Collection method: clinical testing. Allele origin: germline. Affected: yes. Observed: 1 variant allele.
Comment: Case and Pedigree Information: BILATERAL CASES:1, UNILATERAL CASES:0, TOTAL CASES:1, PEDIGREES:1. ACMG Codes Applied:PVS1, PM2